The following is an entry in ClinVar:

NM_020821.3(VPS13C):c.4166-8C>A

Gene: VPS13C (vacuolar protein sorting 13 homolog C; minus strand). Cytogenetic location: 15q22.2.
Variant type: single nucleotide variant.
Coding change: c.4166-8C>A on transcript NM_020821.3 (MANE Select); 8 bases into the intron before coding-DNA position 4166, C replaced by A.
Molecular consequence: intron variant.
Genome position (GRCh38, 1-based): chr15:61,954,562, G>T on the plus strand (C>A on the coding strand, the complement: VPS13C is on the minus strand). VCF-style: chr15-61954562-G-T. GRCh37 (hg19) VCF-style: chr15-62246761-G-T.
Other names: p.?; c.4037-8C>A (NM_017684.5, NM_018080.4); c.4166-8C>A (NM_001018088.3).
Identifiers: ClinVar variation 773746 (VCV000773746.35), dbSNP rs200945332, ClinGen allele CA7596179.

ClinVar aggregate classification (germline): Benign/Likely benign. Review status: criteria provided, multiple submitters, no conflicts (2 of 4 stars). 5 submissions from 5 submitters: Benign (3); Likely benign (2). Last evaluated 2026-02-01.

Allele frequency attached by ClinVar (database versions not stated): 1000 Genomes Project 30x 0.00062; ESP Exome Variant Server 0.00062; 1000 Genomes Project 0.00080; TOPMed 0.00089.
gnomAD v4.1: 1,950 of 1,565,948 alleles (0.12%); highest among the groups gnomAD compares: Middle Eastern, 0.29%; 4 homozygotes.

Submissions (5):

CeGaT Center for Human Genetics Tuebingen
Classification: Likely benign. Last evaluated: 2026-02-01. Review status: criteria provided, single submitter. Criteria: CeGaT Center For Human Genetics Tuebingen Variant Classification Criteria Version 2. Collection method: clinical testing. Allele origin: germline. Affected: yes. Observed: 3 variant alleles.
Comment: VPS13C: BP4, BS2

Labcorp Genetics (formerly Invitae), Labcorp
Classification: Benign. Last evaluated: 2026-01-18. Review status: criteria provided, single submitter. Criteria: Invitae Variant Classification Sherloc (09022015). Collection method: clinical testing. Allele origin: germline.

Mayo Clinic Laboratories, Mayo Clinic
Classification: Benign. Last evaluated: 2025-01-02. Review status: criteria provided, single submitter. Criteria: ACMG Guidelines, 2015. Collection method: clinical testing. Allele origin: germline. Observed: 1 variant allele.
Comment: BA1, BP4, BP7

Blueprint Genetics
Classification: Likely benign. Last evaluated: 2024-10-21. Review status: criteria provided, single submitter. Criteria: ACMG Guidelines, 2015. Collection method: clinical testing. Allele origin: germline.

Breakthrough Genomics
Classification: Benign. Review status: criteria provided, single submitter. Criteria: ACMG Guidelines, 2015. Collection method: not provided. Allele origin: germline. Inheritance: Autosomal recessive inheritance. Affected: yes.

Literature cited by the submitters: PubMed 33579389 (cited by Mayo Clinic Laboratories, Mayo Clinic).